The following is an entry in ClinVar:

NM_001135022.2(ELMOD3):c.56G>A (p.Gly19Asp)

Gene: ELMOD3 (ELMO domain containing 3; plus strand). Cytogenetic location: 2p11.2.
Variant type: single nucleotide variant.
Coding change: c.56G>A on transcript NM_001135022.2 (MANE Select); coding-DNA position 56, G replaced by A.
Protein change: p.Gly19Asp; replaces glycine 19 with aspartic acid.
Molecular consequence: missense variant. On other transcripts: non-coding transcript variant (3).
Genome position (GRCh38, 1-based): chr2:85,362,187, G>A. VCF-style: chr2-85362187-G-A. GRCh37 (hg19) VCF-style: chr2-85589310-G-A.
Other names: c.56G>A, p.Gly19Asp (NM_001135021.2, NM_001135023.2, NM_001329791.2 and 3 more transcripts); short protein forms G19D.
Identifiers: ClinVar variation 2775861 (VCV002775861.3), dbSNP rs1388869759, ClinGen allele CA347478347.

ClinVar aggregate classification (germline): Uncertain significance (1 of 4 stars; one submission).

Allele frequency attached by ClinVar (database versions not stated): gnomAD exomes below 0.00001; TOPMed 0.00001; gnomAD 0.00002.
gnomAD v4.1: 9 of 1,578,058 alleles (0.00057%); highest among the groups gnomAD compares: African/African-American, 0.0013%; no homozygotes.

Submission:

Labcorp Genetics (formerly Invitae), Labcorp
Classification: Uncertain significance. Last evaluated: 2023-07-08. Review status: criteria provided, single submitter. Criteria: Invitae Variant Classification Sherloc (09022015). Collection method: clinical testing. Allele origin: germline.
Comment: This sequence change replaces glycine, which is neutral and non-polar, with aspartic acid, which is acidic and polar, at codon 19 of the ELMOD3 protein (p.Gly19Asp). In summary, the available evidence is currently insufficient to determine the role of this variant in disease. Therefore, it has been classified as a Variant of Uncertain Significance. An algorithm developed to predict the effect of missense changes on protein structure and function (PolyPhen-2) suggests that this variant is likely to be tolerated. This variant has not been reported in the literature in individuals affected with ELMOD3-related conditions. This variant is present in population databases (no rsID available, gnomAD 0.004%).